The following is an entry in ClinVar:

NM_001080449.3(DNA2):c.466A>G (p.Met156Val)

Gene: DNA2 (DNA replication helicase/nuclease 2; minus strand). Cytogenetic location: 10q21.3.
Variant type: single nucleotide variant.
Coding change: c.466A>G on transcript NM_001080449.3 (MANE Select); coding-DNA position 466, A replaced by G.
Protein change: p.Met156Val; replaces methionine 156 with valine.
Molecular consequence: missense variant. On other transcripts: non-coding transcript variant (1).
Genome position (GRCh38, 1-based): chr10:68,465,788, T>C on the plus strand (A>G on the coding strand, the complement: DNA2 is on the minus strand). VCF-style: chr10-68465788-T-C. GRCh37 (hg19) VCF-style: chr10-70225545-T-C.
Other names: c.466A>G (NM_001080449.2); short protein forms M156V.
Identifiers: ClinVar variation 1981082 (VCV001981082.5), dbSNP rs766998421, ClinGen allele CA5525285.

ClinVar aggregate classification (germline): Uncertain significance. Review status: criteria provided, multiple submitters, no conflicts (2 of 4 stars). 2 submissions from 2 submitters: Uncertain significance (2). Last evaluated 2025-08-31.

Conditions:
Inborn genetic diseases. Identifiers: MedGen C0950123, MeSH D030342.

Allele frequency attached by ClinVar (database versions not stated): gnomAD exomes below 0.00001; TOPMed below 0.00001; ExAC 0.00001; gnomAD 0.00001.

Submissions (2):

Ambry Genetics
Classification: Uncertain significance for Inborn genetic diseases. Last evaluated: 2025-08-31. Review status: criteria provided, single submitter. Criteria: Ambry Variant Classification Scheme 2023. Collection method: clinical testing. Allele origin: germline.

Labcorp Genetics (formerly Invitae), Labcorp
Classification: Uncertain significance. Last evaluated: 2022-09-02. Review status: criteria provided, single submitter. Criteria: Invitae Variant Classification Sherloc (09022015). Collection method: clinical testing. Allele origin: germline.
Comment: In summary, the available evidence is currently insufficient to determine the role of this variant in disease. Therefore, it has been classified as a Variant of Uncertain Significance. Algorithms developed to predict the effect of missense changes on protein structure and function are either unavailable or do not agree on the potential impact of this missense change (SIFT: "Deleterious"; PolyPhen-2: "Possibly Damaging"; Align-GVGD: "Class C0"). This variant has not been reported in the literature in individuals affected with DNA2-related conditions. The frequency data for this variant in the population databases is considered unreliable, as metrics indicate poor data quality at this position in the gnomAD database. This sequence change replaces methionine, which is neutral and non-polar, with valine, which is neutral and non-polar, at codon 156 of the DNA2 protein (p.Met156Val).